The following is an entry in ClinVar:

ClinVar aggregate classification (germline): Uncertain significance. Review status: criteria provided, multiple submitters, no conflicts (2 of 4 stars). 2 submissions from 2 submitters: Uncertain significance (2). Last evaluated 2024-02-24.

Conditions:
Retinal dystrophy. Also called: Inherited retinal dystrophy. Identifiers: Orphanet 71862, MedGen C0854723, MeSH D058499, MONDO:0019118, HP:0000556.
Autosomal recessive limb-girdle muscular dystrophy type 2O. Also called: Limb-Girdle Muscular Dystrophy Type 3C; MUSCULAR DYSTROPHY-DYSTROGLYCANOPATHY (LIMB-GIRDLE), TYPE C, 3; MUSCULAR DYSTROPHY-DYSTROGLYCANOPATHY, LIMB-GIRDLE, POMGNT1-RELATED. Identifiers: Orphanet 206564, MedGen C3150417, MONDO:0013161, OMIM 613157.
Muscular dystrophy-dystroglycanopathy (congenital with impaired intellectual development), type B, 3. Also called: Muscular dystrophy-dystroglycanopathy (congenital with intellectual disability), type B3; MUSCULAR DYSTROPHY, CONGENITAL, POMGNT1-RELATED. Identifiers: MedGen C3150412, MONDO:0013155, OMIM 613151.

Submissions (2):

Labcorp Genetics (formerly Invitae), Labcorp
Classification: Uncertain significance for Autosomal recessive limb-girdle muscular dystrophy type 2O; Muscular dystrophy-dystroglycanopathy (congenital with impaired intellectual development), type B, 3. Last evaluated: 2024-02-24. Review status: criteria provided, single submitter. Criteria: Invitae Variant Classification Sherloc (09022015). Collection method: clinical testing. Allele origin: germline.
Comment: This sequence change replaces serine, which is neutral and polar, with threonine, which is neutral and polar, at codon 362 of the POMGNT1 protein (p.Ser362Thr). This variant is not present in population databases (gnomAD no frequency). This variant has not been reported in the literature in individuals affected with POMGNT1-related conditions. ClinVar contains an entry for this variant (Variation ID: 2103270). Advanced modeling of protein sequence and biophysical properties (such as structural, functional, and spatial information, amino acid conservation, physicochemical variation, residue mobility, and thermodynamic stability) performed at Invitae indicates that this missense variant is not expected to disrupt POMGNT1 protein function with a negative predictive value of 95%. In summary, the available evidence is currently insufficient to determine the role of this variant in disease. Therefore, it has been classified as a Variant of Uncertain Significance.

Dept Of Ophthalmology, Nagoya University
Classification: Uncertain significance for Retinal dystrophy. Last evaluated: 2023-10-01. Review status: criteria provided, single submitter. Criteria: Submitter's publication. Collection method: research. Allele origin: germline. Affected: yes.

NM_017739.4(POMGNT1):c.1085G>C (p.Ser362Thr)

Genes: POMGNT1 (protein O-linked mannose N-acetylglucosaminyltransferase 1 (beta 1,2-); minus strand), TSPAN1 (tetraspanin 1; plus strand). Cytogenetic location: 1p34.1.
Variant type: single nucleotide variant.
Coding change: c.1085G>C on transcript NM_017739.4 (MANE Select); coding-DNA position 1085, G replaced by C.
Protein change: p.Ser362Thr; replaces serine 362 with threonine.
Molecular consequence: missense variant.
Genome position (GRCh38, 1-based): chr1:46,193,330, C>G on the plus strand (G>C on the coding strand, the complement: POMGNT1 is on the minus strand). VCF-style: chr1-46193330-C-G. GRCh37 (hg19) VCF-style: chr1-46659002-C-G.
Other names: c.1085G>C, p.Ser362Thr (NM_001243766.2, NM_001410783.1); c.1019G>C, p.Ser340Thr (NM_001290129.3); c.656G>C, p.Ser219Thr (NM_001290130.2); short protein forms S219T, S340T, S362T.
Identifiers: ClinVar variation 2103270 (VCV002103270.5), dbSNP rs2525406178, ClinGen allele CA340179853.